The following is an entry in ClinVar:

NM_000037.4(ANK1):c.965G>A (p.Arg322Gln)

Gene: ANK1 (ankyrin 1; minus strand). Cytogenetic location: 8p11.21.
Variant type: single nucleotide variant.
Coding change: c.965G>A on transcript NM_000037.4 (MANE Select); coding-DNA position 965, G replaced by A.
Protein change: p.Arg322Gln; replaces arginine 322 with glutamine.
Molecular consequence: missense variant.
Genome position (GRCh38, 1-based): chr8:41,719,803, C>T on the plus strand (G>A on the coding strand, the complement: ANK1 is on the minus strand). VCF-style: chr8-41719803-C-T. GRCh37 (hg19) VCF-style: chr8-41577321-C-T.
Other names: c.1064G>A, p.Arg355Gln (NM_001142446.2); c.965G>A, p.Arg322Gln (NM_020475.3, NM_020476.3, NM_020477.3); short protein forms R355Q, R322Q.
Identifiers: ClinVar variation 2747905 (VCV002747905.4), dbSNP rs183864227, ClinGen allele CA4728778.

ClinVar aggregate classification (germline): Uncertain significance. Review status: criteria provided, multiple submitters, no conflicts (2 of 4 stars). 2 submissions from 2 submitters: Uncertain significance (2). Last evaluated 2024-11-19.

Conditions:
Hereditary spherocytosis type 1. Also called: Spherocytosis type 1; ANK1-Related Spherocytosis. Identifiers: Orphanet 822, MedGen C2674218, MONDO:0008447, OMIM 182900.

Allele frequency attached by ClinVar (database versions not stated): 1000 Genomes Project 30x 0.00031.
gnomAD v4.1: 260 of 1,614,184 alleles (0.016%); highest among the groups gnomAD compares: Non-Finnish European, 0.021%; no homozygotes.

Submissions (2):

Revvity Omics, Revvity
Classification: Uncertain significance for Hereditary spherocytosis type 1. Last evaluated: 2024-11-19. Review status: criteria provided, single submitter. Criteria: ACMG Guidelines, 2015. Collection method: clinical testing. Allele origin: germline.

Labcorp Genetics (formerly Invitae), Labcorp
Classification: Uncertain significance. Last evaluated: 2023-07-22. Review status: criteria provided, single submitter. Criteria: Invitae Variant Classification Sherloc (09022015). Collection method: clinical testing. Allele origin: germline.
Comment: This sequence change replaces arginine, which is basic and polar, with glutamine, which is neutral and polar, at codon 322 of the ANK1 protein (p.Arg322Gln). This variant is present in population databases (rs183864227, gnomAD 0.009%), including at least one homozygous and/or hemizygous individual. This variant has not been reported in the literature in individuals affected with ANK1-related conditions. An algorithm developed to predict the effect of missense changes on protein structure and function (PolyPhen-2) suggests that this variant is likely to be disruptive. In summary, the available evidence is currently insufficient to determine the role of this variant in disease. Therefore, it has been classified as a Variant of Uncertain Significance.